The following is an entry in ClinVar:

NM_000051.4(ATM):c.5878A>G (p.Ile1960Val)

Genes: ATM (ATM serine/threonine kinase; plus strand), C11orf65 (chromosome 11 open reading frame 65; minus strand). Cytogenetic location: 11q22.3.
Variant type: single nucleotide variant.
Coding change: c.5878A>G on transcript NM_000051.4 (MANE Select); coding-DNA position 5878, A replaced by G.
Protein change: p.Ile1960Val; replaces isoleucine 1960 with valine.
Molecular consequence: missense variant. On other transcripts: intron variant (2).
Genome position (GRCh38, 1-based): chr11:108,310,275, A>G. VCF-style: chr11-108310275-A-G. GRCh37 (hg19) VCF-style: chr11-108181002-A-G.
Other names: c.5878A>G, p.Ile1960Val (NM_001351834.2); c.641-1204T>C (NM_001330368.2); c.*39-1204T>C (NM_001351110.2); short protein forms I1960V.
Identifiers: ClinVar variation 3222015 (VCV003222015.1), dbSNP rs2136017514, ClinGen allele CA382548519.

ClinVar aggregate classification (germline): Uncertain significance (1 of 4 stars; one submission).

Conditions:
Hereditary cancer-predisposing syndrome. Also called: Tumor predisposition; Hereditary Cancer Syndrome; Hereditary neoplastic syndrome; Neoplastic Syndromes, Hereditary. Identifiers: Orphanet 140162, MedGen C0027672, MeSH D009386, MONDO:0015356.

Submission:

Ambry Genetics
Classification: Uncertain significance for Hereditary cancer-predisposing syndrome. Last evaluated: 2024-02-27. Review status: criteria provided, single submitter. Criteria: Ambry Variant Classification Scheme 2023. Collection method: clinical testing. Allele origin: germline.
Comment: The p.I1960V variant (also known as c.5878A>G), located in coding exon 38 of the ATM gene, results from an A to G substitution at nucleotide position 5878. The isoleucine at codon 1960 is replaced by valine, an amino acid with highly similar properties. This amino acid position is conserved. In addition, this alteration is predicted to be tolerated by in silico analysis. Based on the available evidence, the clinical significance of this alteration remains unclear.